The following is an entry in ClinVar:

NM_020832.3(ZNF687):c.919A>G (p.Ser307Gly)

Gene: ZNF687 (zinc finger protein 687; plus strand). Cytogenetic location: 1q21.3.
Variant type: single nucleotide variant.
Coding change: c.919A>G on transcript NM_020832.3 (MANE Select); coding-DNA position 919, A replaced by G.
Protein change: p.Ser307Gly; replaces serine 307 with glycine.
Molecular consequence: missense variant.
Genome position (GRCh38, 1-based): chr1:151,287,210, A>G. VCF-style: chr1-151287210-A-G. GRCh37 (hg19) VCF-style: chr1-151259686-A-G.
Other names: c.919A>G, p.Ser307Gly (NM_001304763.2, NM_001304764.2); short protein forms S307G.
Identifiers: ClinVar variation 2903365 (VCV002903365.3), dbSNP rs1395255703, ClinGen allele CA341933410.

ClinVar aggregate classification (germline): Uncertain significance (1 of 4 stars; one submission).

Allele frequency attached by ClinVar (database versions not stated): TOPMed 0.00001.

Submission:

Labcorp Genetics (formerly Invitae), Labcorp
Classification: Uncertain significance. Last evaluated: 2024-02-23. Review status: criteria provided, single submitter. Criteria: Invitae Variant Classification Sherloc (09022015). Collection method: clinical testing. Allele origin: germline.
Comment: This sequence change replaces serine, which is neutral and polar, with glycine, which is neutral and non-polar, at codon 307 of the ZNF687 protein (p.Ser307Gly). This variant is present in population databases (no rsID available, gnomAD 0.003%). This variant has not been reported in the literature in individuals affected with ZNF687-related conditions. An algorithm developed to predict the effect of missense changes on protein structure and function (PolyPhen-2) suggests that this variant is likely to be tolerated. In summary, the available evidence is currently insufficient to determine the role of this variant in disease. Therefore, it has been classified as a Variant of Uncertain Significance.